The following is an entry in ClinVar:

NM_000260.4(MYO7A):c.75G>C (p.Gly25=)

Gene: MYO7A (myosin VIIA; plus strand). Cytogenetic location: 11q13.5.
Variant type: single nucleotide variant.
Coding change: c.75G>C on transcript NM_000260.4 (MANE Select); coding-DNA position 75, G replaced by C.
Protein change: p.Gly25=; no amino-acid change (glycine 25 retained).
Molecular consequence: synonymous variant.
Genome position (GRCh38, 1-based): chr11:77,142,765, G>C. VCF-style: chr11-77142765-G-C. GRCh37 (hg19) VCF-style: chr11-76853811-G-C.
Other names: c.75G>C, p.Gly25= (NM_001127180.2); c.42G>C, p.Gly14= (NM_001369365.1).
Identifiers: ClinVar variation 765929 (VCV000765929.12), dbSNP rs782517795, ClinGen allele CA6197020.

ClinVar aggregate classification (germline): Conflicting classifications of pathogenicity. Review status: criteria provided, conflicting classifications (1 of 4 stars). 3 submissions from 3 submitters: Uncertain significance (1); Likely benign (2). Last evaluated 2026-01-29.

Conditions:
MYO7A-related disorder. Also called: MYO7A-related disorders.

Allele frequency attached by ClinVar (database versions not stated): TOPMed below 0.00001; gnomAD 0.00001; gnomAD exomes 0.00003 and 0.00006; ExAC 0.00007.
gnomAD v4.1: 37 of 1,612,372 alleles (0.0023%); highest among the groups gnomAD compares: South Asian, 0.04%; no homozygotes.

Submissions (3):

Labcorp Genetics (formerly Invitae), Labcorp
Classification: Likely benign. Last evaluated: 2026-01-29. Review status: criteria provided, single submitter. Criteria: Invitae Variant Classification Sherloc (09022015). Collection method: clinical testing. Allele origin: germline.

PreventionGenetics, part of Exact Sciences
Classification: Likely benign for MYO7A-related condition. Last evaluated: 2024-10-30. Review status: criteria provided, single submitter. Criteria: ACMG Guidelines, 2015. Collection method: clinical testing. Allele origin: germline.
Comment: This variant is classified as likely benign based on ACMG/AMP sequence variant interpretation guidelines (Richards et al. 2015 PMID: 25741868, with internal and published modifications).

Blueprint Genetics
Classification: Uncertain significance. Last evaluated: 2022-08-03. Review status: criteria provided, single submitter. Criteria: ACMG Guidelines, 2015. Collection method: clinical testing. Allele origin: germline.